The following is an entry in ClinVar:

NM_005956.4(MTHFD1):c.695T>C (p.Ile232Thr)

Gene: MTHFD1 (methylenetetrahydrofolate dehydrogenase, cyclohydrolase and formyltetrahydrofolate synthetase 1; plus strand). Cytogenetic location: 14q23.3.
Variant type: single nucleotide variant.
Coding change: c.695T>C on transcript NM_005956.4 (MANE Select); coding-DNA position 695, T replaced by C.
Protein change: p.Ile232Thr; replaces isoleucine 232 with threonine.
Molecular consequence: missense variant.
Genome position (GRCh38, 1-based): chr14:64,419,893, T>C. VCF-style: chr14-64419893-T-C. GRCh37 (hg19) VCF-style: chr14-64886611-T-C.
Other names: c.695T>C, p.Ile232Thr (NM_001364837.1); short protein forms I232T.
Identifiers: ClinVar variation 1481247 (VCV001481247.8), dbSNP rs2078055321, ClinGen allele CA389979320.

ClinVar aggregate classification (germline): Uncertain significance (1 of 4 stars; one submission).

Allele frequency attached by ClinVar (database versions not stated): gnomAD exomes below 0.00001; gnomAD 0.00001.
gnomAD v4.1: 2 of 1,613,904 alleles (0.00012%); highest among the groups gnomAD compares: Admixed American, 0.0017%; no homozygotes.

Submission:

Labcorp Genetics (formerly Invitae), Labcorp
Classification: Uncertain significance. Last evaluated: 2022-07-12. Review status: criteria provided, single submitter. Criteria: Invitae Variant Classification Sherloc (09022015). Collection method: clinical testing. Allele origin: germline.
Comment: In summary, the available evidence is currently insufficient to determine the role of this variant in disease. Therefore, it has been classified as a Variant of Uncertain Significance. Algorithms developed to predict the effect of missense changes on protein structure and function are either unavailable or do not agree on the potential impact of this missense change (SIFT: "Deleterious"; PolyPhen-2: "Benign"; Align-GVGD: "Class C15"). ClinVar contains an entry for this variant (Variation ID: 1481247). This variant has not been reported in the literature in individuals affected with MTHFD1-related conditions. This variant is not present in population databases (gnomAD no frequency). This sequence change replaces isoleucine, which is neutral and non-polar, with threonine, which is neutral and polar, at codon 232 of the MTHFD1 protein (p.Ile232Thr).